The following is an entry in ClinVar:

ClinVar aggregate classification (germline): Uncertain significance (1 of 4 stars; one submission).

gnomAD v4.1: 1 of 1,613,080 alleles (0.000062%); no homozygotes.

Submission:

Labcorp Genetics (formerly Invitae), Labcorp
Classification: Uncertain significance. Last evaluated: 2024-04-22. Review status: criteria provided, single submitter. Criteria: Invitae Variant Classification Sherloc (09022015). Collection method: clinical testing. Allele origin: germline.
Comment: This sequence change replaces alanine, which is neutral and non-polar, with glycine, which is neutral and non-polar, at codon 1771 of the FAT4 protein (p.Ala1771Gly). This variant is not present in population databases (gnomAD no frequency). This variant has not been reported in the literature in individuals affected with FAT4-related conditions. Advanced modeling of protein sequence and biophysical properties (such as structural, functional, and spatial information, amino acid conservation, physicochemical variation, residue mobility, and thermodynamic stability) performed at Invitae indicates that this missense variant is not expected to disrupt FAT4 protein function with a negative predictive value of 80%. In summary, the available evidence is currently insufficient to determine the role of this variant in disease. Therefore, it has been classified as a Variant of Uncertain Significance.

NM_001291303.3(FAT4):c.5312C>G (p.Ala1771Gly)

Gene: FAT4 (FAT atypical cadherin 4; plus strand). Cytogenetic location: 4q28.1.
Variant type: single nucleotide variant.
Coding change: c.5312C>G on transcript NM_001291303.3 (MANE Select); coding-DNA position 5312, C replaced by G.
Protein change: p.Ala1771Gly; replaces alanine 1771 with glycine.
Molecular consequence: missense variant.
Genome position (GRCh38, 1-based): chr4:125,406,884, C>G. VCF-style: chr4-125406884-C-G. GRCh37 (hg19) VCF-style: chr4-126328039-C-G.
Other names: c.5312C>G, p.Ala1771Gly (NM_001291285.3, NM_024582.6); short protein forms A1771G.
Identifiers: ClinVar variation 3688485 (VCV003688485.2).